The following is an entry in ClinVar:

ClinVar aggregate classification (germline): Uncertain significance. Review status: criteria provided, multiple submitters, no conflicts (2 of 4 stars). 2 submissions from 2 submitters: Uncertain significance (2). Last evaluated 2023-12-20.

Conditions:
Inborn genetic diseases. Identifiers: MedGen C0950123, MeSH D030342.

gnomAD v4.1: 74 of 1,610,952 alleles (0.0046%); highest among the groups gnomAD compares: Non-Finnish European, 0.0056%; no homozygotes.

Submissions (2):

ARUP Laboratories, Molecular Genetics and Genomics, ARUP Laboratories
Classification: Uncertain significance. Last evaluated: 2023-12-20. Review status: criteria provided, single submitter. Criteria: ARUP Molecular Germline Variant Investigation Process 2024. Collection method: clinical testing. Allele origin: germline.
Comment: The BICD2 c.1478G>T; p.Arg493Leu variant (rs756162689), to our knowledge, is not reported in the medical literature but is reported in ClinVar (Variation ID: 1773499). This variant is found in the general population with an overall allele frequency of 0.003% (8/249,038 alleles) in the Genome Aggregation Database (v2.1.1). Computational analyses predict that this variant is neutral (REVEL: 0.075). Due to limited information, the clinical significance of this variant is uncertain at this time.

Ambry Genetics
Classification: Uncertain significance for Inborn genetic diseases. Last evaluated: 2022-04-21. Review status: criteria provided, single submitter. Criteria: Ambry Variant Classification Scheme 2023. Collection method: clinical testing. Allele origin: germline.
Comment: The p.R493L variant (also known as c.1478G>T), located in coding exon 5 of the BICD2 gene, results from a G to T substitution at nucleotide position 1478. The arginine at codon 493 is replaced by leucine, an amino acid with dissimilar properties. This amino acid position is not well conserved in available vertebrate species. In addition, this alteration is predicted to be tolerated by in silico analysis. Since supporting evidence is limited at this time, the clinical significance of this alteration remains unclear.

NM_001003800.2(BICD2):c.1478G>T (p.Arg493Leu)

Gene: BICD2 (BICD cargo adaptor 2; minus strand). Cytogenetic location: 9q22.31.
Variant type: single nucleotide variant.
Coding change: c.1478G>T on transcript NM_001003800.2 (MANE Select); coding-DNA position 1478, G replaced by T.
Protein change: p.Arg493Leu; replaces arginine 493 with leucine.
Molecular consequence: missense variant.
Genome position (GRCh38, 1-based): chr9:92,719,167, C>A on the plus strand (G>T on the coding strand, the complement: BICD2 is on the minus strand). VCF-style: chr9-92719167-C-A. GRCh37 (hg19) VCF-style: chr9-95481449-C-A.
Other names: c.1478G>T, p.Arg493Leu (NM_015250.4); short protein forms R493L.
Identifiers: ClinVar variation 1773499 (VCV001773499.3), dbSNP rs756162689, ClinGen allele CA5126545.
Genomic context (GRCh38, chr9:92,719,167, plus strand): 5'-GCGACGTCGCTCACCTTCTTTAGCTCCTTCTCCAGCCGGGCCAGCAGCTCGCGGTCCTGG[C>A]GGCTGGCCTTCTCTAGCAGGGAGACCTTCTCCGTGAGTGCCTGGCCCTCAGCCTCATAGC-3'
Protein context (NP_001003800.1, residues 483-503): EKVSLLEKAS[Arg493Leu]QDRELLARLE